The following is an entry in ClinVar:

NM_001903.5(CTNNA1):c.684C>T (p.Cys228=)

Gene: CTNNA1 (catenin alpha 1; plus strand). Cytogenetic location: 5q31.2.
Variant type: single nucleotide variant.
Coding change: c.684C>T on transcript NM_001903.5 (MANE Select); coding-DNA position 684, C replaced by T.
Protein change: p.Cys228=; no amino-acid change (cysteine 228 retained).
Molecular consequence: synonymous variant.
Genome position (GRCh38, 1-based): chr5:138,824,625, C>T. VCF-style: chr5-138824625-C-T. GRCh37 (hg19) VCF-style: chr5-138160314-C-T.
Other names: c.684C>T (NM_001903.2); c.684C>T, p.Cys228= (NM_001290307.3, NM_001323982.2, NM_001323983.1 and 3 more transcripts); c.375C>T, p.Cys125= (NM_001290309.3); c.315C>T, p.Cys105= (NM_001290310.3).
Identifiers: ClinVar variation 3693367 (VCV003693367.4).

ClinVar aggregate classification (germline): Benign/Likely benign. Review status: criteria provided, multiple submitters, no conflicts (2 of 4 stars). 3 submissions from 3 submitters: Benign (1); Likely benign (2). Last evaluated 2026-03-01.

Conditions:
Hereditary cancer-predisposing syndrome. Also called: Hereditary Cancer Syndrome; Neoplastic Syndromes, Hereditary; Tumor predisposition; Hereditary neoplastic syndrome. Identifiers: Orphanet 140162, MedGen C0027672, MeSH D009386, MONDO:0015356.
Hereditary diffuse gastric adenocarcinoma (HDGC). Also called: DIFFUSE GASTRIC AND LOBULAR BREAST CANCER SYNDROME. Identifiers: Orphanet 26106, MedGen C1708349, MONDO:0007648, OMIM 137215.

Submissions (3):

Ambry Genetics
Classification: Likely benign for Hereditary cancer-predisposing syndrome. Last evaluated: 2026-03-01. Review status: criteria provided, single submitter. Criteria: Ambry Variant Classification Scheme 2023. Collection method: clinical testing. Allele origin: germline.

Myriad Genetics, Inc.
Classification: Benign for Hereditary diffuse gastric adenocarcinoma. Last evaluated: 2024-10-10. Review status: criteria provided, single submitter. Criteria: Myriad Autosomal Dominant, Autosomal Recessive and X-Linked Classification Criteria (2023). Collection method: clinical testing. Allele origin: unknown.
Comment: This variant is considered benign. This variant is a silent/synonymous amino acid change and it is not expected to impact splicing.

Labcorp Genetics (formerly Invitae), Labcorp
Classification: Likely benign. Last evaluated: 2024-04-01. Review status: criteria provided, single submitter. Criteria: Invitae Variant Classification Sherloc (09022015). Collection method: clinical testing. Allele origin: germline.